The following is an entry in ClinVar:

ClinVar aggregate classification (germline): Conflicting classifications of pathogenicity. Review status: criteria provided, conflicting classifications (1 of 4 stars). 2 submissions from 2 submitters: Uncertain significance (1); Likely benign (1). Last evaluated 2026-08-23.

Conditions:
Inborn genetic diseases. Identifiers: MedGen C0950123, MeSH D030342.

Submissions (2):

Ambry Genetics
Classification: Uncertain significance for Inborn genetic diseases. Last evaluated: 2026-08-23. Review status: criteria provided, single submitter. Criteria: Ambry Variant Classification Scheme 2023. Collection method: clinical testing. Allele origin: germline.
Comment: The c.1676G>A (p.R559Q) alteration is located in exon 9 (coding exon 9) of the DLL4 gene. This alteration results from a G to A substitution at nucleotide position 1676, causing the arginine (R) at amino acid position 559 to be replaced by a glutamine (Q). Based on data from gnomAD, the A allele has an overall frequency of 0.001% (2/245356) total alleles studied. The highest observed frequency was 0.003% (1/34434) of Latino alleles. Based on insufficient or conflicting evidence, the clinical significance of this alteration remains unclear.

Laboratory of Genetics, Children's Clinical University Hospital Latvia
Classification: Likely benign. Last evaluated: 2025-02-16. Review status: criteria provided, single submitter. Criteria: ACMG Guidelines, 2015. Collection method: clinical testing. Allele origin: germline. Affected: yes.

NM_019074.4(DLL4):c.1676G>A (p.Arg559Gln)

Gene: DLL4 (delta like canonical Notch ligand 4; plus strand). Cytogenetic location: 15q15.1.
Variant type: single nucleotide variant.
Coding change: c.1676G>A on transcript NM_019074.4 (MANE Select); coding-DNA position 1676, G replaced by A.
Protein change: p.Arg559Gln; replaces arginine 559 with glutamine.
Molecular consequence: missense variant.
Genome position (GRCh38, 1-based): chr15:40,936,663, G>A. VCF-style: chr15-40936663-G-A. GRCh37 (hg19) VCF-style: chr15-41228861-G-A.
Other names: c.1676G>A (NM_019074.3); short protein forms R559Q.
Identifiers: ClinVar variation 3911076 (VCV003911076.2).